The following is an entry in ClinVar:

ClinVar aggregate classification (germline): Likely benign (0 of 4 stars; one submission).

Conditions:
EP300-related disorder. Also called: EP300-related disorders; EP300-related condition.

gnomAD v4.1: 93 of 1,614,090 alleles (0.0058%); highest among the groups gnomAD compares: Non-Finnish European, 0.0077%; no homozygotes.

Submission:

PreventionGenetics, part of Exact Sciences
Classification: Likely benign for EP300-related condition. Last evaluated: 2021-07-01. Review status: no assertion criteria provided. Collection method: clinical testing. Allele origin: germline.
Comment: This variant is classified as likely benign based on ACMG/AMP sequence variant interpretation guidelines (Richards et al. 2015 PMID: 25741868, with internal and published modifications).

NM_001429.4(EP300):c.3543G>A (p.Gln1181=)

Gene: EP300 (E1A binding protein p300; plus strand). Cytogenetic location: 22q13.2.
Variant type: single nucleotide variant.
Coding change: c.3543G>A on transcript NM_001429.4 (MANE Select); coding-DNA position 3543, G replaced by A.
Protein change: p.Gln1181=; no amino-acid change (glutamine 1181 retained).
Molecular consequence: synonymous variant.
Genome position (GRCh38, 1-based): chr22:41,158,453, G>A. VCF-style: chr22-41158453-G-A. GRCh37 (hg19) VCF-style: chr22-41554457-G-A.
Other names: c.3465G>A, p.Gln1155= (NM_001362843.2).
Identifiers: ClinVar variation 3351264 (VCV003351264.1).